The following is an entry in ClinVar:

ClinVar aggregate classification (germline): Uncertain significance (1 of 4 stars; one submission).

Allele frequency attached by ClinVar (database versions not stated): gnomAD exomes below 0.00001; gnomAD 0.00001.
gnomAD v4.1: 4 of 1,614,004 alleles (0.00025%); highest among the groups gnomAD compares: Non-Finnish European, 0.00034%; no homozygotes.

Submission:

Labcorp Genetics (formerly Invitae), Labcorp
Classification: Uncertain significance. Last evaluated: 2024-11-06. Review status: criteria provided, single submitter. Criteria: Invitae Variant Classification Sherloc (09022015). Collection method: clinical testing. Allele origin: germline.
Comment: This sequence change replaces glutamic acid, which is acidic and polar, with lysine, which is basic and polar, at codon 305 of the TRPC3 protein (p.Glu305Lys). This variant is present in population databases (no rsID available, gnomAD 0.007%). This variant has not been reported in the literature in individuals affected with TRPC3-related conditions. ClinVar contains an entry for this variant (Variation ID: 2787393). Invitae Evidence Modeling of protein sequence and biophysical properties (such as structural, functional, and spatial information, amino acid conservation, physicochemical variation, residue mobility, and thermodynamic stability) indicates that this missense variant is not expected to disrupt TRPC3 protein function with a negative predictive value of 80%. In summary, the available evidence is currently insufficient to determine the role of this variant in disease. Therefore, it has been classified as a Variant of Uncertain Significance.

NM_001130698.2(TRPC3):c.913G>A (p.Glu305Lys)

Gene: TRPC3 (transient receptor potential cation channel subfamily C member 3; minus strand). Cytogenetic location: 4q27.
Variant type: single nucleotide variant.
Coding change: c.913G>A on transcript NM_001130698.2 (MANE Select); coding-DNA position 913, G replaced by A.
Protein change: p.Glu305Lys; replaces glutamic acid 305 with lysine.
Molecular consequence: missense variant.
Genome position (GRCh38, 1-based): chr4:121,932,345, C>T on the plus strand (G>A on the coding strand, the complement: TRPC3 is on the minus strand). VCF-style: chr4-121932345-C-T. GRCh37 (hg19) VCF-style: chr4-122853500-C-T.
Other names: c.913G>A, p.Glu305Lys (NM_001366479.2); c.694G>A, p.Glu232Lys (NM_003305.2); short protein forms E305K, E232K.
Identifiers: ClinVar variation 2787393 (VCV002787393.3), dbSNP rs1250056098, ClinGen allele CA358046692.
Genomic context (GRCh38, chr4:121,932,345, plus strand): 5'-CTATGTTGGCCAGCTTGGCCAGCTCGTTGCTGAGCTCTAGGGCCGTAAGCACCGGGTCCT[C>T]GCTGGACAATGAGAGGTAAGCCGGGCTGGCCAGCCCCTTGTAGGCATTGATCCTCGAGCG-3'
Protein context (NP_001124170.1, residues 295-315): ASPAYLSLSS[Glu305Lys]DPVLTALELS